The following is an entry in ClinVar:

ClinVar aggregate classification (germline): Uncertain significance. Review status: criteria provided, multiple submitters, no conflicts (2 of 4 stars). 3 submissions from 3 submitters: Uncertain significance (3). Last evaluated 2025-11-10.

Conditions:
Intellectual developmental disorder, X-linked, syndromic 33. Also called: Intellectual disability, X-linked, syndromic 33; X-linked intellectual disability-global development delay-facial dysmorphism-sacral caudal remnant syndrome. Identifiers: Orphanet 480907, MedGen C4225418, MONDO:0010500, OMIM 300966.

Allele frequency attached by ClinVar (database versions not stated): gnomAD exomes below 0.00001.
gnomAD v4.1: 1 of 1,211,534 alleles (0.000083%); highest among the groups gnomAD compares: Admixed American, 0.0022%; no homozygotes.

Submissions (3):

Labcorp Genetics (formerly Invitae), Labcorp
Classification: Uncertain significance. Last evaluated: 2025-11-10. Review status: criteria provided, single submitter. Criteria: Invitae Variant Classification Sherloc (09022015). Collection method: clinical testing. Allele origin: germline.
Comment: This sequence change replaces leucine, which is neutral and non-polar, with valine, which is neutral and non-polar, at codon 1459 of the TAF1 protein (p.Leu1459Val). This variant is not present in population databases (gnomAD no frequency). This variant has not been reported in the literature in individuals affected with TAF1-related conditions. ClinVar contains an entry for this variant (Variation ID: 2505876). Invitae Evidence Modeling of protein sequence and biophysical properties (such as structural, functional, and spatial information, amino acid conservation, physicochemical variation, residue mobility, and thermodynamic stability) indicates that this missense variant is not expected to disrupt TAF1 protein function with a negative predictive value of 80%. In summary, the available evidence is currently insufficient to determine the role of this variant in disease. Therefore, it has been classified as a Variant of Uncertain Significance.

GeneDx
Classification: Uncertain significance. Last evaluated: 2024-02-20. Review status: criteria provided, single submitter. Criteria: GeneDx Variant Classification Process June 2021. Collection method: clinical testing. Allele origin: germline. Affected: yes.
Comment: Not observed at significant frequency in large population cohorts (gnomAD); In silico analysis supports that this missense variant does not alter protein structure/function; Has not been previously published as pathogenic or benign to our knowledge

3billion
Classification: Uncertain significance for Intellectual developmental disorder, X-linked, syndromic 33. Last evaluated: 2024-01-29. Review status: criteria provided, single submitter. Criteria: ACMG Guidelines, 2015. Collection method: clinical testing. Allele origin: germline. Affected: yes.
Comment: The variant is not observed in the gnomAD v2.1.1 dataset. Predicted Consequence/Location: Missense changes are a common disease-causing mechanism. Damaging effect on gene or gene product predicted by in silico programs is uncertain [3Cnet: 0.52 (damaging >=0.6, benign <0.15)]. A different missense change at the same codon (p.Leu1439Pro) has been reported to be associated with TAF1 related disorder (ClinVar ID: VCV000452882). However the evidence of pathogenicity is insufficient at this time. Therefore, this variant is classified as VUS according to the recommendation of ACMG/AMP guideline.

NM_004606.5(TAF1):c.4315C>G (p.Leu1439Val)

Gene: TAF1 (TATA-box binding protein associated factor 1; plus strand). Cytogenetic location: Xq13.1.
Variant type: single nucleotide variant.
Coding change: c.4315C>G on transcript NM_004606.5 (MANE Select); coding-DNA position 4315, C replaced by G.
Protein change: p.Leu1439Val; replaces leucine 1439 with valine.
Molecular consequence: missense variant. On other transcripts: non-coding transcript variant (9).
Genome position (GRCh38, 1-based): chrX:71,408,082, C>G. VCF-style: chrX-71408082-C-G. GRCh37 (hg19) VCF-style: chrX-70627932-C-G.
Other names: c.4315C>G, p.Leu1439Val (NM_001286074.2); c.4252C>G, p.Leu1418Val (NM_138923.4); short protein forms L1418V, L1439V.
Identifiers: ClinVar variation 2505876 (VCV002505876.5), dbSNP rs1043311612, ClinGen allele CA331026473.